The following is an entry in ClinVar:

ClinVar aggregate classification (germline): Pathogenic. Review status: criteria provided, single submitter (1 of 4 stars). 2 submissions from 2 submitters: Pathogenic (1). 1 of the submissions does not count toward it. Last evaluated 2020-10-01.

Conditions:
Tuberous sclerosis syndrome (TSC). Also called: Tuberous Sclerosis Complex; Tuberous sclerosis. Identifiers: Orphanet 805, MedGen C0041341, MONDO:0001734.
Tuberous sclerosis 1 (TSC1). Identifiers: Orphanet 805, MedGen C1854465, MONDO:0008612, OMIM 191100.

Submissions (2):

Labcorp Genetics (formerly Invitae), Labcorp
Classification: Pathogenic for Tuberous sclerosis 1. Last evaluated: 2020-10-01. Review status: criteria provided, single submitter. Criteria: Invitae Variant Classification Sherloc (09022015). Collection method: clinical testing. Allele origin: germline.
Comment: Algorithms developed to predict the effect of sequence changes on RNA splicing suggest that this variant may disrupt the consensus splice site, but this prediction has not been confirmed by published transcriptional studies. Loss-of-function variants in TSC1 are known to be pathogenic (PMID: 10227394, 17304050). For these reasons, this variant has been classified as Pathogenic. This variant has not been reported in the literature in individuals with TSC1-related conditions. ClinVar contains an entry for this variant (Variation ID: 48733). This variant is not present in population databases (ExAC no frequency). This sequence change creates a premature translational stop signal (p.Ala344Leufs*12) in the TSC1 gene. It is expected to result in an absent or disrupted protein product.

Tuberous sclerosis database (TSC1)
No classification provided. Condition: TSC. Review status: no classification provided. Criteria: Tuberous Sclerosis Database Assertion Criteria 2015. Collection method: curation. Allele origin: germline. Affected: yes. Not counted in ClinVar's aggregate classification.

Literature cited by the submitters: PubMed 10227394 (cited by Labcorp Genetics (formerly Invitae), Labcorp); PubMed 17304050 (cited by Labcorp Genetics (formerly Invitae), Labcorp).

NM_000368.4(TSC1):c.1030delG

Gene: TSC1 (TSC complex subunit 1; minus strand). Cytogenetic location: 9q34.13.
Variant type: Deletion.
Coding change: c.1030delG on transcript NM_000368.4; coding-DNA position 1030, one base deleted (G).
Genome position (GRCh38, 1-based): chr9:132,911,113, C deleted on the plus strand (G on the coding strand, the reverse complement: TSC1 is on the minus strand); the first of 2 consecutive C bases (chr9:132,911,113-132,911,114); deleting either gives the same sequence. VCF-style (leftmost placement, unchanged base first): chr9-132911112-GC-G. GRCh37 (hg19) VCF-style: chr9-135786499-GC-G.
Identifiers: ClinVar variation 48733 (VCV000048733.10), dbSNP rs118203486, ClinGen allele CA004342.